The following is an entry in ClinVar:

ClinVar aggregate classification (germline): Uncertain significance (1 of 4 stars; one submission).

Conditions:
Emery-Dreifuss muscular dystrophy 5, autosomal dominant (EDMD5). Also called: EMERY-DREIFUSS MUSCULAR DYSTROPHY 5. Identifiers: Orphanet 261, MedGen C2751805, MONDO:0013072, OMIM 612999.

Allele frequency attached by ClinVar (database versions not stated): TOPMed 0.00006; ESP Exome Variant Server 0.00008.
gnomAD v4.1: 206 of 1,613,050 alleles (0.013%); highest among the groups gnomAD compares: East Asian, 0.04%; no homozygotes.

Submission:

Labcorp Genetics (formerly Invitae), Labcorp
Classification: Uncertain significance for Emery-Dreifuss muscular dystrophy 5, autosomal dominant. Last evaluated: 2025-12-03. Review status: criteria provided, single submitter. Criteria: Invitae Variant Classification Sherloc (09022015). Collection method: clinical testing. Allele origin: germline.
Comment: This sequence change replaces glutamic acid, which is acidic and polar, with lysine, which is basic and polar, at codon 6879 of the SYNE2 protein (p.Glu6879Lys). This variant is present in population databases (rs371152824, gnomAD 0.01%). This variant has not been reported in the literature in individuals affected with SYNE2-related conditions. ClinVar contains an entry for this variant (Variation ID: 1038414). An algorithm developed to predict the effect of missense changes on protein structure and function (PolyPhen-2) suggests that this variant is likely to be disruptive. In summary, the available evidence is currently insufficient to determine the role of this variant in disease. Therefore, it has been classified as a Variant of Uncertain Significance.

NM_182914.3(SYNE2):c.20635G>A (p.Glu6879Lys)

Gene: SYNE2 (spectrin repeat containing nuclear envelope protein 2; plus strand). Cytogenetic location: 14q23.2.
Variant type: single nucleotide variant.
Coding change: c.20635G>A on transcript NM_182914.3 (MANE Select); coding-DNA position 20635, G replaced by A.
Protein change: p.Glu6879Lys; replaces glutamic acid 6879 with lysine.
Molecular consequence: missense variant.
Genome position (GRCh38, 1-based): chr14:64,225,437, G>A. VCF-style: chr14-64225437-G-A. GRCh37 (hg19) VCF-style: chr14-64692155-G-A.
Other names: c.20569G>A, p.Glu6857Lys (NM_015180.6); c.1201G>A, p.Glu401Lys (NM_182910.2); c.1582G>A, p.Glu528Lys (NM_182913.4); short protein forms E401K, E6879K, E528K, E6857K.
Identifiers: ClinVar variation 1038414 (VCV001038414.8), dbSNP rs371152824, ClinGen allele CA7224980.